The following is an entry in ClinVar:

ClinVar aggregate classification (germline): Uncertain significance. Review status: criteria provided, multiple submitters, no conflicts (2 of 4 stars). 2 submissions from 2 submitters: Uncertain significance (2). Last evaluated 2024-03-20.

Allele frequency attached by ClinVar (database versions not stated): ESP Exome Variant Server 0.00008.

Submissions (2):

Ambry Genetics
Classification: Uncertain significance. Last evaluated: 2024-03-20. Review status: criteria provided, single submitter. Criteria: Ambry Variant Classification Scheme 2023. Collection method: clinical testing. Allele origin: germline.

Labcorp Genetics (formerly Invitae), Labcorp
Classification: Uncertain significance. Last evaluated: 2022-08-31. Review status: criteria provided, single submitter. Criteria: Invitae Variant Classification Sherloc (09022015). Collection method: clinical testing. Allele origin: germline.
Comment: This sequence change replaces proline, which is neutral and non-polar, with histidine, which is basic and polar, at codon 569 of the TNK2 protein (p.Pro569His). This variant is present in population databases (rs113728103, gnomAD 0.02%). This variant has not been reported in the literature in individuals affected with TNK2-related conditions. Algorithms developed to predict the effect of missense changes on protein structure and function are either unavailable or do not agree on the potential impact of this missense change (SIFT: "Deleterious"; PolyPhen-2: "Benign"; Align-GVGD: "Class C0"). In summary, the available evidence is currently insufficient to determine the role of this variant in disease. Therefore, it has been classified as a Variant of Uncertain Significance.

NM_001382273.1(TNK2):c.1517C>A (p.Pro506His)

Gene: TNK2 (tyrosine kinase non receptor 2; minus strand). Cytogenetic location: 3q29.
Variant type: single nucleotide variant.
Coding change: c.1517C>A on transcript NM_001382273.1 (MANE Select); coding-DNA position 1517, C replaced by A.
Protein change: p.Pro506His; replaces proline 506 with histidine.
Molecular consequence: missense variant. On other transcripts: non-coding transcript variant (15).
Genome position (GRCh38, 1-based): chr3:195,870,140, G>T on the plus strand (C>A on the coding strand, the complement: TNK2 is on the minus strand). VCF-style: chr3-195870140-G-T. GRCh37 (hg19) VCF-style: chr3-195597011-G-T.
Other names: c.1613C>A, p.Pro538His (NM_001382275.1, NM_001387707.1, NM_001308046.2 and 1 more transcripts); c.1517C>A, p.Pro506His (NM_001386164.1, NM_001387709.1, NM_001387710.1 and 12 more transcripts); c.1589C>A, p.Pro530His (NM_001387708.1, NM_001387715.1, NM_001010938.2 and 1 more transcripts); c.1706C>A (NM_001010938.1); short protein forms P530H, P538H, P506H.
Identifiers: ClinVar variation 2076369 (VCV002076369.5), dbSNP rs113728103, ClinGen allele CA2776323.